The following is an entry in ClinVar:

NM_000551.4(VHL):c.352_353insA (p.Leu118fs)

Genes: VHL (von Hippel-Lindau tumor suppressor; plus strand), LOC107303340 (3p25 von Hippel-Lindau tumor suppressor, E3 ubiquitin protein ligase Alu-mediated recombination region; plus strand). Cytogenetic location: 3p25.3.
Variant type: Insertion.
Coding change: c.352_353insA on transcript NM_000551.4 (MANE Select); coding-DNA positions 352 to 353, A inserted.
Protein change: p.Leu118fs; shifts the reading frame from leucine 118.
Molecular consequence: frameshift variant. On other transcripts: intron variant (2).
Genome position: GRCh38 VCF-style: chr3-10146525-C-CA. GRCh37 (hg19) VCF-style: chr3-10188209-C-CA.
Other names: c.*18-3262_*18-3261insA (NM_001354723.2); c.341-3262_341-3261insA (NM_198156.3); short protein forms L118fs.
Identifiers: ClinVar variation 223198 (VCV000223198.15), dbSNP rs869025641, ClinGen allele CA357125.

ClinVar aggregate classification (germline): Pathogenic. Review status: criteria provided, multiple submitters, no conflicts (2 of 4 stars). 4 submissions from 4 submitters: Pathogenic (3). 1 of the submissions does not count toward it. Last evaluated 2024-07-02.

Conditions:
Von Hippel-Lindau syndrome (VHLS). Also called: Von Hippel-Lindau; von Hippel–Lindau syndrome; VHL syndrome. Identifiers: Orphanet 892, MedGen C0019562, MONDO:0008667, OMIM 193300. Disease mechanism: loss of function.
Chuvash polycythemia. Also called: POLYCYTHEMIA, VHL-DEPENDENT. Identifiers: Orphanet 238557, MedGen C1837915, MONDO:0009892, OMIM 263400.
Hereditary cancer-predisposing syndrome. Also called: Tumor predisposition; Hereditary neoplastic syndrome; Neoplastic Syndromes, Hereditary; Hereditary Cancer Syndrome. Identifiers: Orphanet 140162, MedGen C0027672, MeSH D009386, MONDO:0015356.

Allele frequency attached by ClinVar (database versions not stated): gnomAD exomes below 0.00001.

Submissions (4):

Ambry Genetics
Classification: Pathogenic for Hereditary cancer-predisposing syndrome. Last evaluated: 2024-07-02. Review status: criteria provided, single submitter. Criteria: Ambry Variant Classification Scheme 2023. Collection method: clinical testing. Allele origin: germline.
Comment: The c.352_353insA pathogenic mutation, located in coding exon 2 of the VHL gene, results from an insertion of one nucleotide at position 352, causing a translational frameshift with a predicted alternate stop codon (p.L118Hfs*14). This variant is considered to be rare based on population cohorts in the Genome Aggregation Database (gnomAD). This alteration is expected to result in loss of function by premature protein truncation or nonsense-mediated mRNA decay. As such, this alteration is interpreted as a disease-causing mutation.

Labcorp Genetics (formerly Invitae), Labcorp
Classification: Pathogenic for Von Hippel-Lindau syndrome; Chuvash polycythemia. Last evaluated: 2024-04-09. Review status: criteria provided, single submitter. Criteria: Invitae Variant Classification Sherloc (09022015). Collection method: clinical testing. Allele origin: germline.
Comment: This sequence change creates a premature translational stop signal (p.Leu118Hisfs*14) in the VHL gene. It is expected to result in an absent or disrupted protein product. Loss-of-function variants in VHL are known to be pathogenic (PMID: 8956040, 12202531). This variant is not present in population databases (gnomAD no frequency). This premature translational stop signal has been observed in individual(s) with von Hippel-Lindau syndrome (PMID: 9829911). This variant is also known as 565-566insA. ClinVar contains an entry for this variant (Variation ID: 223198). For these reasons, this variant has been classified as Pathogenic.

GeneDx
Classification: Pathogenic. Last evaluated: 2021-06-17. Review status: criteria provided, single submitter. Criteria: GeneDx Variant Classification Process June 2021. Collection method: clinical testing. Allele origin: germline. Affected: yes.
Comment: Frameshift variant predicted to result in protein truncation or nonsense mediated decay in a gene for which loss-of-function is a known mechanism of disease; Not observed at significant frequency in large population cohorts (Lek et al., 2016); This variant is associated with the following publications: (PMID: 27535533, 9829911)

Genomic Diagnostic Laboratory, Division of Genomic Diagnostics, Children's Hospital of Philadelphia
Classification: Pathogenic for Von Hippel-Lindau syndrome. Last evaluated: 2016-02-26. Review status: no assertion criteria provided. Collection method: clinical testing. Allele origin: germline. Affected: yes. Observed: 6 variant alleles. Not counted in ClinVar's aggregate classification.

Literature cited by the submitters: PubMed 8956040 (cited by Labcorp Genetics (formerly Invitae), Labcorp); PubMed 12202531 (cited by Labcorp Genetics (formerly Invitae), Labcorp); PubMed 9829911 (cited by Labcorp Genetics (formerly Invitae), Labcorp).